The following is an entry in ClinVar:

ClinVar aggregate classification (germline): Uncertain significance (1 of 4 stars; one submission).

Conditions:
Hermansky-Pudlak syndrome 2 (HPS2). Also called: Platelet defects and oculocutaneous albinism. Identifiers: Orphanet 183678, Orphanet 79430, MedGen C1842362, MONDO:0011997, OMIM 608233.

Allele frequency attached by ClinVar (database versions not stated): gnomAD 0.00001.
gnomAD v4.1: 3 of 1,613,242 alleles (0.00019%); highest among the groups gnomAD compares: African/African-American, 0.0027%; no homozygotes.

Submission:

Labcorp Genetics (formerly Invitae), Labcorp
Classification: Uncertain significance for Hermansky-Pudlak syndrome 2. Last evaluated: 2023-07-17. Review status: criteria provided, single submitter. Criteria: Invitae Variant Classification Sherloc (09022015). Collection method: clinical testing. Allele origin: germline.
Comment: This variant is present in population databases (no rsID available, gnomAD 0.01%). This sequence change replaces aspartic acid, which is acidic and polar, with alanine, which is neutral and non-polar, at codon 645 of the AP3B1 protein (p.Asp645Ala). This variant has not been reported in the literature in individuals affected with AP3B1-related conditions. ClinVar contains an entry for this variant (Variation ID: 1503253). An algorithm developed to predict the effect of missense changes on protein structure and function (PolyPhen-2) suggests that this variant is likely to be disruptive. In summary, the available evidence is currently insufficient to determine the role of this variant in disease. Therefore, it has been classified as a Variant of Uncertain Significance.

NM_003664.5(AP3B1):c.1934A>C (p.Asp645Ala)

Gene: AP3B1 (adaptor related protein complex 3 subunit beta 1; minus strand). Cytogenetic location: 5q14.1.
Variant type: single nucleotide variant.
Coding change: c.1934A>C on transcript NM_003664.5 (MANE Select); coding-DNA position 1934, A replaced by C.
Protein change: p.Asp645Ala; replaces aspartic acid 645 with alanine.
Molecular consequence: missense variant.
Genome position (GRCh38, 1-based): chr5:78,128,064, T>G on the plus strand (A>C on the coding strand, the complement: AP3B1 is on the minus strand). VCF-style: chr5-78128064-T-G. GRCh37 (hg19) VCF-style: chr5-77423888-T-G.
Other names: c.1787A>C, p.Asp596Ala (NM_001271769.2); short protein forms D645A, D596A.
Identifiers: ClinVar variation 1503253 (VCV001503253.6), dbSNP rs1317710866, ClinGen allele CA360187022.